The following is an entry in ClinVar:

NM_001849.4(COL6A2):c.1568C>G (p.Ala523Gly)

Gene: COL6A2 (collagen type VI alpha 2 chain; plus strand). Cytogenetic location: 21q22.3.
Variant type: single nucleotide variant.
Coding change: c.1568C>G on transcript NM_001849.4 (MANE Select); coding-DNA position 1568, C replaced by G.
Protein change: p.Ala523Gly; replaces alanine 523 with glycine.
Molecular consequence: missense variant.
Genome position (GRCh38, 1-based): chr21:46,122,154, C>G. VCF-style: chr21-46122154-C-G. GRCh37 (hg19) VCF-style: chr21-47542068-C-G.
Other names: c.1568C>G, p.Ala523Gly (NM_058174.3, NM_058175.3); short protein forms A523G.
Identifiers: ClinVar variation 662606 (VCV000662606.7), dbSNP rs769563817, ClinGen allele CA10071978.

ClinVar aggregate classification (germline): Uncertain significance (1 of 4 stars; one submission).

Conditions:
Bethlem myopathy 1A. Also called: Bethlem Muscular Dystrophy; Bethlem myopathy 1; MYOPATHY, BENIGN CONGENITAL, WITH CONTRACTURES. Identifiers: Orphanet 610, MedGen CN029274, MONDO:0024530, OMIM 158810.

Allele frequency attached by ClinVar (database versions not stated): TOPMed below 0.00001; ExAC 0.00001.
gnomAD v4.1: 1 of 1,612,628 alleles (0.000062%); highest among the groups gnomAD compares: Admixed American, 0.0017%; no homozygotes.

Submission:

Labcorp Genetics (formerly Invitae), Labcorp
Classification: Uncertain significance for Bethlem myopathy 1A. Last evaluated: 2018-08-05. Review status: criteria provided, single submitter. Criteria: Invitae Variant Classification Sherloc (09022015). Collection method: clinical testing. Allele origin: germline.
Comment: In summary, the available evidence is currently insufficient to determine the role of this variant in disease. Therefore, it has been classified as a Variant of Uncertain Significance. This variant is present in population databases (rs769563817, ExAC 0.009%). This variant has not been reported in the literature in individuals with COL6A2-related disease. Algorithms developed to predict the effect of missense changes on protein structure and function (SIFT, PolyPhen-2, Align-GVGD) all suggest that this variant is likely to be tolerated, but these predictions have not been confirmed by published functional studies and their clinical significance is uncertain. This sequence change replaces alanine with glycine at codon 523 of the COL6A2 protein (p.Ala523Gly). The alanine residue is weakly conserved and there is a small physicochemical difference between alanine and glycine.